The following is an entry in ClinVar:

ClinVar aggregate classification (germline): Uncertain significance. Review status: criteria provided, multiple submitters, no conflicts (2 of 4 stars). 3 submissions from 3 submitters: Uncertain significance (3). Last evaluated 2025-03-20.

Allele frequency attached by ClinVar (database versions not stated): gnomAD exomes below 0.00001 and 0.00007; gnomAD 0.00001.
gnomAD v4.1: 97 of 1,613,876 alleles (0.006%); highest among the groups gnomAD compares: East Asian, 0.21%; 1 homozygote.

Submissions (3):

Labcorp Genetics (formerly Invitae), Labcorp
Classification: Uncertain significance. Last evaluated: 2025-03-20. Review status: criteria provided, single submitter. Criteria: Invitae Variant Classification Sherloc (09022015). Collection method: clinical testing. Allele origin: germline.
Comment: This sequence change replaces isoleucine, which is neutral and non-polar, with threonine, which is neutral and polar, at codon 268 of the SAMD9 protein (p.Ile268Thr). This variant is present in population databases (no rsID available, gnomAD 0.006%). This missense change has been observed in individual(s) with myelodysplastic syndrome (MDS) (PMID: 30322869). ClinVar contains an entry for this variant (Variation ID: 1399643). Invitae Evidence Modeling of protein sequence and biophysical properties (such as structural, functional, and spatial information, amino acid conservation, physicochemical variation, residue mobility, and thermodynamic stability) has been performed for this missense variant. However, the output from this modeling did not meet the statistical confidence thresholds required to predict the impact of this variant on SAMD9 protein function. Experimental studies have shown that this missense change does not substantially affect SAMD9 function (PMID: 30322869). In summary, the available evidence is currently insufficient to determine the role of this variant in disease. Therefore, it has been classified as a Variant of Uncertain Significance.

GeneDx
Classification: Uncertain significance. Last evaluated: 2025-01-24. Review status: criteria provided, single submitter. Criteria: GeneDx Variant Classification Process June 2021. Collection method: clinical testing. Allele origin: germline. Affected: yes.
Comment: Observed as a germline variant in two patients with a myelodysplastic syndrome one of whom also harbored a another germline variant in SMAD9 (PMID: 30322869); Published functional studies did not demonstrate a significant damaging effect; however additional studies are needed to validate the functional effect of this variant (PMID: 30322869); Not observed at significant frequency in large population cohorts (gnomAD); In silico analysis supports that this missense variant has a deleterious effect on protein structure/function; This variant is associated with the following publications: (PMID: 28545555, 30322869)

Women's Health and Genetics/Laboratory Corporation of America, LabCorp
Classification: Uncertain significance. Last evaluated: 2024-04-23. Review status: criteria provided, single submitter. Criteria: LabCorp Variant Classification Summary - May 2015. Collection method: clinical testing. Allele origin: germline.
Comment: Variant summary: SAMD9 c.803T>C (p.Ile268Thr) results in a non-conservative amino acid change in the encoded protein sequence. Three of five in-silico tools predict a benign effect of the variant on protein function. The variant allele was found at a frequency of 4e-06 in 251246 control chromosomes. The available data on variant occurrences in the general population are insufficient to allow any conclusion about variant significance. c.803T>C has been reported in the literature in individuals affected with myelodysplastic syndrome without strong evidence for causality (e.g. Nagata_2018). This report does not provide unequivocal conclusions about association of the variant with Normophosphatemic familial tumoral calcinosis. To our knowledge, no experimental evidence demonstrating an impact on protein function has been reported. The following publication has been ascertained in the context of this evaluation (PMID: 30322869). ClinVar contains an entry for this variant (Variation ID: 1399643). Based on the evidence outlined above, the variant was classified as uncertain significance.

Literature cited by the submitters: PubMed 30322869 (cited by Labcorp Genetics (formerly Invitae), Labcorp and Women's Health and Genetics/Laboratory Corporation of America, LabCorp).

NM_017654.4(SAMD9):c.803T>C (p.Ile268Thr)

Gene: SAMD9 (sterile alpha motif domain containing 9; minus strand). Cytogenetic location: 7q21.2.
Variant type: single nucleotide variant.
Coding change: c.803T>C on transcript NM_017654.4 (MANE Select); coding-DNA position 803, T replaced by C.
Protein change: p.Ile268Thr; replaces isoleucine 268 with threonine.
Molecular consequence: missense variant.
Genome position (GRCh38, 1-based): chr7:93,105,295, A>G on the plus strand (T>C on the coding strand, the complement: SAMD9 is on the minus strand). VCF-style: chr7-93105295-A-G. GRCh37 (hg19) VCF-style: chr7-92734608-A-G.
Other names: c.803T>C, p.Ile268Thr (NM_001193307.2); c.803T>C (NM_017654.3); short protein forms I268T.
Identifiers: ClinVar variation 1399643 (VCV001399643.9), dbSNP rs1381981662, ClinGen allele CA368203744.